The following is an entry in ClinVar:

ClinVar aggregate classification (germline): Likely pathogenic (1 of 4 stars; one submission).

Submission:

GeneDx
Classification: Likely pathogenic. Last evaluated: 2026-10-19. Review status: criteria provided, single submitter. Criteria: GeneDx Variant Classification Process June 2021. Collection method: clinical testing. Allele origin: germline.
Comment: Not observed at significant frequency in large population cohorts (gnomAD); In silico analysis suggests that this missense variant does not alter protein structure/function; Has not been previously published as pathogenic or benign to our knowledge

NM_013436.5(NCKAP1):c.922G>A (p.Glu308Lys)

Gene: NCKAP1 (NCK associated protein 1; minus strand). Cytogenetic location: 2q32.1.
Variant type: single nucleotide variant.
Coding change: c.922G>A on transcript NM_013436.5 (MANE Select); coding-DNA position 922, G replaced by A.
Protein change: p.Glu308Lys; replaces glutamic acid 308 with lysine.
Molecular consequence: missense variant.
Genome position (GRCh38, 1-based): chr2:182,989,055, C>T on the plus strand (G>A on the coding strand, the complement: NCKAP1 is on the minus strand). VCF-style: chr2-182989055-C-T. GRCh37 (hg19) VCF-style: chr2-183853783-C-T.
Other names: c.940G>A, p.Glu314Lys (NM_205842.3); short protein forms E308K, E314K.
Identifiers: ClinVar variation 3893334 (VCV003893334.2).